The following is an entry in ClinVar:

NM_025114.4(CEP290):c.4619A>C (p.Gln1540Pro)

Gene: CEP290 (centrosomal protein 290; minus strand). Cytogenetic location: 12q21.32.
Variant type: single nucleotide variant.
Coding change: c.4619A>C on transcript NM_025114.4 (MANE Select); coding-DNA position 4619, A replaced by C.
Protein change: p.Gln1540Pro; replaces glutamine 1540 with proline.
Molecular consequence: missense variant.
Genome position (GRCh38, 1-based): chr12:88,084,671, T>G on the plus strand (A>C on the coding strand, the complement: CEP290 is on the minus strand). VCF-style: chr12-88084671-T-G. GRCh37 (hg19) VCF-style: chr12-88478448-T-G.
Other names: short protein forms Q1540P.
Identifiers: ClinVar variation 2934113 (VCV002934113.3), dbSNP rs2499987030, ClinGen allele CA385994974.

ClinVar aggregate classification (germline): Uncertain significance (1 of 4 stars; one submission).

Conditions:
Joubert syndrome. Also called: CEREBELLOPARENCHYMAL DISORDER IV; JOUBERT-BOLTSHAUSER SYNDROME; Familial aplasia of the vermis. Identifiers: Orphanet 475, MedGen C5979921, MONDO:0018772.
Nephronophthisis. Also called: Juvenile Nephronophthisis. Identifiers: Orphanet 655, MedGen C0687120, MONDO:0019005, HP:0000090.
Meckel-Gruber syndrome. Also called: DYSENCEPHALIA SPLANCHNOCYSTICA; GRUBER SYNDROME; Dysencephalia splachnocystica. Identifiers: Orphanet 564, MedGen C0265215, MONDO:0018921.

gnomAD v4.1: 1 of 1,613,796 alleles (0.000062%); highest among the groups gnomAD compares: Non-Finnish European, 0.000085%; no homozygotes.

Submission:

Labcorp Genetics (formerly Invitae), Labcorp
Classification: Uncertain significance for Joubert syndrome; Meckel-Gruber syndrome; Nephronophthisis. Last evaluated: 2024-07-10. Review status: criteria provided, single submitter. Criteria: Invitae Variant Classification Sherloc (09022015). Collection method: clinical testing. Allele origin: germline.
Comment: This sequence change replaces glutamine, which is neutral and polar, with proline, which is neutral and non-polar, at codon 1540 of the CEP290 protein (p.Gln1540Pro). This variant is not present in population databases (gnomAD no frequency). This variant has not been reported in the literature in individuals affected with CEP290-related conditions. Advanced modeling of protein sequence and biophysical properties (such as structural, functional, and spatial information, amino acid conservation, physicochemical variation, residue mobility, and thermodynamic stability) performed at Invitae indicates that this missense variant is expected to disrupt CEP290 protein function with a positive predictive value of 80%. In summary, the available evidence is currently insufficient to determine the role of this variant in disease. Therefore, it has been classified as a Variant of Uncertain Significance.